The following is an entry in ClinVar:

NM_004370.6(COL12A1):c.4319T>C (p.Val1440Ala)

Gene: COL12A1 (collagen type XII alpha 1 chain; minus strand). Cytogenetic location: 6q13.
Variant type: single nucleotide variant.
Coding change: c.4319T>C on transcript NM_004370.6 (MANE Select); coding-DNA position 4319, T replaced by C.
Protein change: p.Val1440Ala; replaces valine 1440 with alanine.
Molecular consequence: missense variant.
Genome position (GRCh38, 1-based): chr6:75,147,773, A>G on the plus strand (T>C on the coding strand, the complement: COL12A1 is on the minus strand). VCF-style: chr6-75147773-A-G. GRCh37 (hg19) VCF-style: chr6-75857489-A-G.
Other names: c.4319T>C, p.Val1440Ala (NM_001424113.1, NM_001424114.1); c.4046T>C, p.Val1349Ala (NM_001424115.1); c.827T>C, p.Val276Ala (NM_001424116.1, NM_080645.3); short protein forms V1349A, V1440A, V276A.
Identifiers: ClinVar variation 2950911 (VCV002950911.3), dbSNP rs1767273965, ClinGen allele CA364744722.
Genomic context (GRCh38, chr6:75,147,773, plus strand): 5'-TCTTCTACCACAGAATACACATTGACAACATATTCAGTTTCAGGTTTCAGATCTTTCAGC[A>G]CTGTGCTAGTTTCCATTCGACTCACATAAAACTAGGGGGAAAAATTAAACAGAGCAACAA-3'
Protein context (NP_004361.3, residues 1430-1450): FYVSRMETST[Val1440Ala]LKDLKPETEY

ClinVar aggregate classification (germline): Uncertain significance (1 of 4 stars; one submission).

Conditions:
Ullrich congenital muscular dystrophy 2 (UCMD2). Identifiers: Orphanet 75840, MedGen C4225314, MONDO:0014654, OMIM 616470.
Bethlem myopathy 2 (BTHLM2). Identifiers: Orphanet 536516, Orphanet 610, MedGen C4225313, MONDO:0034022, OMIM 616471.

Allele frequency attached by ClinVar (database versions not stated): gnomAD exomes below 0.00001.
gnomAD v4.1: 1 of 1,613,536 alleles (0.000062%); highest among the groups gnomAD compares: Non-Finnish European, 0.000085%; no homozygotes.

Submission:

Labcorp Genetics (formerly Invitae), Labcorp
Classification: Uncertain significance for Bethlem myopathy 2; Ullrich congenital muscular dystrophy 2. Last evaluated: 2023-11-01. Review status: criteria provided, single submitter. Criteria: Invitae Variant Classification Sherloc (09022015). Collection method: clinical testing. Allele origin: germline.
Comment: This sequence change replaces valine, which is neutral and non-polar, with alanine, which is neutral and non-polar, at codon 1440 of the COL12A1 protein (p.Val1440Ala). This variant is not present in population databases (gnomAD no frequency). This variant has not been reported in the literature in individuals affected with COL12A1-related conditions. Advanced modeling of protein sequence and biophysical properties (such as structural, functional, and spatial information, amino acid conservation, physicochemical variation, residue mobility, and thermodynamic stability) performed at Invitae indicates that this missense variant is not expected to disrupt COL12A1 protein function with a negative predictive value of 80%. In summary, the available evidence is currently insufficient to determine the role of this variant in disease. Therefore, it has been classified as a Variant of Uncertain Significance.